The following is an entry in ClinVar:

NM_001994.3(F13B):c.1053dup (p.Lys352Ter)

Gene: F13B (coagulation factor XIII B chain; minus strand). Cytogenetic location: 1q31.3.
Variant type: Duplication.
Coding change: c.1053dup on transcript NM_001994.3 (MANE Select); coding-DNA position 1053, one base duplicated (T; older notation c.1053dupT).
Protein change: p.Lys352Ter; replaces lysine 352 with a stop codon.
Molecular consequence: nonsense. On other transcripts: frameshift variant (1).
Genome position (GRCh38, 1-based): chr1:197,057,131, A duplicated on the plus strand (T on the coding strand, the reverse complement: F13B is on the minus strand). VCF-style (leftmost placement, unchanged base first): chr1-197057130-T-TA. GRCh37 (hg19) VCF-style: chr1-197026260-T-TA.
Other names: c.1053dupT (NM_001994.2); short protein forms K352*.
Identifiers: ClinVar variation 2636960 (VCV002636960.1), dbSNP rs2527146722, ClinGen allele CA2649658880.

ClinVar aggregate classification (germline): Likely pathogenic (1 of 4 stars; one submission).

Conditions:
F13B-related disorder. Also called: F13B-related condition.

Allele frequency attached by ClinVar (database versions not stated): gnomAD exomes below 0.00001.

Submission:

PreventionGenetics, part of Exact Sciences
Classification: Likely pathogenic for F13B-related condition. Last evaluated: 2022-10-18. Review status: criteria provided, single submitter. Criteria: ACMG Guidelines, 2015. Collection method: clinical testing. Allele origin: germline.
Comment: The F13B c.1053dupT variant is predicted to result in premature protein termination (p.Lys352*). To our knowledge, this variant has not been reported in the literature or in a large population database, indicating this variant is rare. Nonsense variants in F13B are expected to be pathogenic. This variant is interpreted as likely pathogenic.